The following is an entry in ClinVar:

ClinVar aggregate classification (germline): Uncertain significance (0 of 4 stars; one submission).

Conditions:
MAP1B-related disorder. Also called: MAP1B-related condition.

gnomAD v4.1: 7 of 1,613,012 alleles (0.00043%); highest among the groups gnomAD compares: Non-Finnish European, 0.00034%; no homozygotes.

Submission:

PreventionGenetics, part of Exact Sciences
Classification: Uncertain significance for MAP1B-related condition. Last evaluated: 2024-08-14. Review status: no assertion criteria provided. Collection method: clinical testing. Allele origin: germline.
Comment: The MAP1B c.7210G>T variant is predicted to result in the amino acid substitution p.Ala2404Ser. To our knowledge, this variant has not been reported in the literature. This variant is reported in 0.0046% of alleles in individuals of European (Finnish) descent in gnomAD. At this time, the clinical significance of this variant is uncertain due to the absence of conclusive functional and genetic evidence.

NM_005909.5(MAP1B):c.7210G>T (p.Ala2404Ser)

Gene: MAP1B (microtubule associated protein 1B; plus strand). Cytogenetic location: 5q13.2.
Variant type: single nucleotide variant.
Coding change: c.7210G>T on transcript NM_005909.5 (MANE Select); coding-DNA position 7210, G replaced by T.
Protein change: p.Ala2404Ser; replaces alanine 2404 with serine.
Molecular consequence: missense variant.
Genome position (GRCh38, 1-based): chr5:72,203,760, G>T. VCF-style: chr5-72203760-G-T. GRCh37 (hg19) VCF-style: chr5-71499587-G-T.
Other names: c.6832G>T, p.Ala2278Ser (NM_001324255.2); short protein forms A2278S, A2404S.
Identifiers: ClinVar variation 3345769 (VCV003345769.1).